The following is an entry in ClinVar:

NM_003072.5(SMARCA4):c.4880G>A (p.Ser1627Asn)

Gene: SMARCA4 (SWI/SNF related BAF chromatin remodeling complex subunit ATPase 4; plus strand). Cytogenetic location: 19p13.2.
Variant type: single nucleotide variant.
Coding change: c.4880G>A on transcript NM_003072.5 (MANE Select); coding-DNA position 4880, G replaced by A.
Protein change: p.Ser1627Asn; replaces serine 1627 with asparagine.
Molecular consequence: missense variant. On other transcripts: non-coding transcript variant (1).
Genome position (GRCh38, 1-based): chr19:11,060,156, G>A. VCF-style: chr19-11060156-G-A. GRCh37 (hg19) VCF-style: chr19-11170832-G-A.
Other names: c.4880G>A, p.Ser1627Asn (NM_001128844.3); c.4790G>A, p.Ser1597Asn (NM_001128845.2); c.4787G>A, p.Ser1596Asn (NM_001128846.2); c.4781G>A, p.Ser1594Asn (NM_001128847.4, NM_001374457.1); c.4778G>A, p.Ser1593Asn (NM_001128848.2); c.4976G>A, p.Ser1659Asn (NM_001128849.3, NM_001387283.1); short protein forms S1593N, S1594N, S1596N, S1597N, S1627N, S1659N.
Identifiers: ClinVar variation 1060145 (VCV001060145.11), dbSNP rs2076781506, ClinGen allele CA404080885.

ClinVar aggregate classification (germline): Uncertain significance. Review status: criteria provided, multiple submitters, no conflicts (2 of 4 stars). 2 submissions from 2 submitters: Uncertain significance (2). Last evaluated 2024-11-13.

Conditions:
Hereditary cancer-predisposing syndrome. Also called: Neoplastic Syndromes, Hereditary; Hereditary Cancer Syndrome; Hereditary neoplastic syndrome; Tumor predisposition. Identifiers: Orphanet 140162, MedGen C0027672, MeSH D009386, MONDO:0015356.
Rhabdoid tumor predisposition syndrome 2 (RTPS2). Identifiers: Orphanet 231108, Orphanet 69077, MedGen C2750074, MONDO:0013224, OMIM 613325.

Allele frequency attached by ClinVar (database versions not stated): gnomAD exomes below 0.00001; TOPMed 0.00001.
gnomAD v4.1: 1 of 1,551,246 alleles (0.000064%); highest among the groups gnomAD compares: Non-Finnish European, 0.000087%; no homozygotes.

Submissions (2):

Labcorp Genetics (formerly Invitae), Labcorp
Classification: Uncertain significance for Rhabdoid tumor predisposition syndrome 2. Last evaluated: 2024-11-13. Review status: criteria provided, single submitter. Criteria: Invitae Variant Classification Sherloc (09022015). Collection method: clinical testing. Allele origin: germline.
Comment: This sequence change replaces serine, which is neutral and polar, with asparagine, which is neutral and polar, at codon 1659 of the SMARCA4 protein (p.Ser1659Asn). This variant is not present in population databases (gnomAD no frequency). This variant has not been reported in the literature in individuals affected with SMARCA4-related conditions. ClinVar contains an entry for this variant (Variation ID: 1060145). Invitae Evidence Modeling of protein sequence and biophysical properties (such as structural, functional, and spatial information, amino acid conservation, physicochemical variation, residue mobility, and thermodynamic stability) indicates that this missense variant is expected to disrupt SMARCA4 protein function with a positive predictive value of 95%. In summary, the available evidence is currently insufficient to determine the role of this variant in disease. Therefore, it has been classified as a Variant of Uncertain Significance.

Ambry Genetics
Classification: Uncertain significance for Hereditary cancer-predisposing syndrome. Last evaluated: 2022-10-24. Review status: criteria provided, single submitter. Criteria: Ambry Variant Classification Scheme 2023. Collection method: clinical testing. Allele origin: germline.
Comment: The p.S1659N variant (also known as c.4976G>A), located in coding exon 34 of the SMARCA4 gene, results from a G to A substitution at nucleotide position 4976. The serine at codon 1659 is replaced by asparagine, an amino acid with highly similar properties. This amino acid position is highly conserved in available vertebrate species. In addition, this alteration is predicted to be tolerated by in silico analysis. Missense and in-frame variants in SMARCA4 are known to cause neurodevelopmental disorders; however, such associations with rhabdoid tumor predisposition syndrome including small cell carcinoma of the ovary-hypercalcemic type (SCCOHT) are exceedingly rare (Kosho T et al. Am J Med Genet C Semin Med Genet. 2014 Sep;166C(3):262-75; Jelinic P et al. Nat Genet. 2014 May;46(5):424-6). Based on the supporting evidence, the association of this alteration with Coffin-Siris syndrome is unknown; however, the association of this alteration with rhabdoid tumor predisposition syndrome is unlikely.